The following is an entry in ClinVar:

NM_006929.5(SKIC2):c.1637G>A (p.Gly546Asp)

Gene: SKIC2 (SKI2 subunit of superkiller complex; plus strand). Cytogenetic location: 6p21.33.
Variant type: single nucleotide variant.
Coding change: c.1637G>A on transcript NM_006929.5 (MANE Select); coding-DNA position 1637, G replaced by A.
Protein change: p.Gly546Asp; replaces glycine 546 with aspartic acid.
Molecular consequence: missense variant.
Genome position (GRCh38, 1-based): chr6:31,963,723, G>A. VCF-style: chr6-31963723-G-A. GRCh37 (hg19) VCF-style: chr6-31931500-G-A.
Other names: short protein forms G546D.
Identifiers: ClinVar variation 907352 (VCV000907352.7), dbSNP rs148748996, ClinGen allele CA3729530.
Genomic context (GRCh38, chr6:31,963,723, plus strand): 5'-AGGAGAGAATGAGCAAACACGCCCAGACCTTTGGGGCCAAGCAGCCCACACATCAGGGGG[G>A]CCCTGCACAGGTGAGAACTGGGAGGGTTTTGTACCTGCCAGCACCTGTTTTTCCTCCTAT-3'
Protein context (NP_008860.4, residues 536-556): FGAKQPTHQG[Gly546Asp]PAQDRGVYLS

ClinVar aggregate classification (germline): Uncertain significance. Review status: criteria provided, multiple submitters, no conflicts (2 of 4 stars). 3 submissions from 3 submitters: Uncertain significance (3). Last evaluated 2024-01-22.

Conditions:
Trichohepatoenteric syndrome 2 (THES2). Identifiers: Orphanet 84064, MedGen C3281289, MONDO:0013818, OMIM 614602.
Inborn genetic diseases. Identifiers: MedGen C0950123, MeSH D030342.

Allele frequency attached by ClinVar (database versions not stated): TOPMed 0.00003; 1000 Genomes Project 0.00020; 1000 Genomes Project 30x 0.00031.
gnomAD v4.1: 75 of 1,545,248 alleles (0.0049%); highest among the groups gnomAD compares: Non-Finnish European, 0.006%; no homozygotes.

Submissions (3):

Ambry Genetics
Classification: Uncertain significance for Inborn genetic diseases. Last evaluated: 2024-01-22. Review status: criteria provided, single submitter. Criteria: Ambry Variant Classification Scheme 2023. Collection method: clinical testing. Allele origin: germline.

Labcorp Genetics (formerly Invitae), Labcorp
Classification: Uncertain significance. Last evaluated: 2022-08-15. Review status: criteria provided, single submitter. Criteria: Invitae Variant Classification Sherloc (09022015). Collection method: clinical testing. Allele origin: germline.
Comment: This sequence change replaces glycine, which is neutral and non-polar, with aspartic acid, which is acidic and polar, at codon 546 of the SKIV2L protein (p.Gly546Asp). This variant is present in population databases (rs148748996, gnomAD 0.02%). This variant has not been reported in the literature in individuals affected with SKIV2L-related conditions. ClinVar contains an entry for this variant (Variation ID: 907352). Algorithms developed to predict the effect of missense changes on protein structure and function (SIFT, PolyPhen-2, Align-GVGD) all suggest that this variant is likely to be tolerated. In summary, the available evidence is currently insufficient to determine the role of this variant in disease. Therefore, it has been classified as a Variant of Uncertain Significance.

Illumina Laboratory Services, Illumina
Classification: Uncertain significance for Trichohepatoenteric syndrome 2. Last evaluated: 2018-01-13. Review status: criteria provided, single submitter. Criteria: ICSL Variant Classification Criteria 13 December 2019. Collection method: clinical testing. Allele origin: germline.